The following is an entry in ClinVar:

NM_004525.3(LRP2):c.7855A>G (p.Asn2619Asp)

Gene: LRP2 (LDL receptor related protein 2; minus strand). Cytogenetic location: 2q31.1.
Variant type: single nucleotide variant.
Coding change: c.7855A>G on transcript NM_004525.3 (MANE Select); coding-DNA position 7855, A replaced by G.
Protein change: p.Asn2619Asp; replaces asparagine 2619 with aspartic acid.
Molecular consequence: missense variant.
Genome position (GRCh38, 1-based): chr2:169,204,132, T>C on the plus strand (A>G on the coding strand, the complement: LRP2 is on the minus strand). VCF-style: chr2-169204132-T-C. GRCh37 (hg19) VCF-style: chr2-170060642-T-C.
Other names: short protein forms N2619D.
Identifiers: ClinVar variation 1505431 (VCV001505431.3), dbSNP rs1397132722, ClinGen allele CA349167465.

ClinVar aggregate classification (germline): Uncertain significance (1 of 4 stars; one submission).

Allele frequency attached by ClinVar (database versions not stated): gnomAD exomes 0.00001; TOPMed 0.00001.
gnomAD v4.1: 7 of 1,614,192 alleles (0.00043%); highest among the groups gnomAD compares: Admixed American, 0.0017%; no homozygotes.

Submission:

Labcorp Genetics (formerly Invitae), Labcorp
Classification: Uncertain significance. Last evaluated: 2022-03-26. Review status: criteria provided, single submitter. Criteria: Invitae Variant Classification Sherloc (09022015). Collection method: clinical testing. Allele origin: germline.
Comment: This sequence change replaces asparagine, which is neutral and polar, with aspartic acid, which is acidic and polar, at codon 2619 of the LRP2 protein (p.Asn2619Asp). This variant is present in population databases (no rsID available, gnomAD 0.0009%). This variant has not been reported in the literature in individuals affected with LRP2-related conditions. Advanced modeling of protein sequence and biophysical properties (such as structural, functional, and spatial information, amino acid conservation, physicochemical variation, residue mobility, and thermodynamic stability) performed at Invitae indicates that this missense variant is not expected to disrupt LRP2 protein function. In summary, the available evidence is currently insufficient to determine the role of this variant in disease. Therefore, it has been classified as a Variant of Uncertain Significance.